The following is an entry in ClinVar:

NM_006016.6(CD164):c.*552A>G

Gene: CD164 (CD164 molecule; minus strand). Cytogenetic location: 6q21.
Variant type: single nucleotide variant.
Coding change: c.*552A>G on transcript NM_006016.6 (MANE Select); 552 bases downstream of the stop codon, A replaced by G.
Molecular consequence: 3 prime UTR variant. On other transcripts: missense variant (2).
Genome position (GRCh38, 1-based): chr6:109,368,299, T>C on the plus strand (A>G on the coding strand, the complement: CD164 is on the minus strand). VCF-style: chr6-109368299-T-C. GRCh37 (hg19) VCF-style: chr6-109689502-T-C.
Other names: c.454A>G (NM_001142404.2); c.*552A>G (NM_001142401.3, NM_001142402.3, NM_001346500.2); c.550A>G, p.Ile184Val (NM_001142403.3); c.454A>G, p.Ile152Val (NM_001142404.3); short protein forms I152V, I184V.
Identifiers: ClinVar variation 4893717 (VCV004893717.2).

ClinVar aggregate classification (germline): Likely benign. Review status: criteria provided, multiple submitters, no conflicts (2 of 4 stars). 2 submissions from 2 submitters: Likely benign (2). Last evaluated 2025-02-02.

Conditions:
CD164-related disorder. Also called: CD164-related condition.

gnomAD v4.1: 63 of 1,543,424 alleles (0.0041%); highest among the groups gnomAD compares: East Asian, 0.049%; no homozygotes.

Submissions (2):

PreventionGenetics, part of Exact Sciences
Classification: Likely benign for CD164-related condition. Last evaluated: 2025-02-02. Review status: criteria provided, single submitter. Criteria: ACMG Guidelines, 2015. Collection method: clinical testing. Allele origin: germline.
Comment: This variant is classified as likely benign based on ACMG/AMP sequence variant interpretation guidelines (Richards et al. 2015 PMID: 25741868, with internal and published modifications).

Blueprint Genetics
Classification: Likely benign. Last evaluated: 2023-09-16. Review status: criteria provided, single submitter. Criteria: ACMG Guidelines, 2015. Collection method: clinical testing. Allele origin: germline.